The following is an entry in ClinVar:

NM_001035.3(RYR2):c.2575C>T (p.Gln859Ter)

Gene: RYR2 (ryanodine receptor 2; plus strand). Cytogenetic location: 1q43.
Variant type: single nucleotide variant.
Coding change: c.2575C>T on transcript NM_001035.3 (MANE Select); coding-DNA position 2575, C replaced by T.
Protein change: p.Gln859Ter; replaces glutamine 859 with a stop codon.
Molecular consequence: nonsense.
Genome position (GRCh38, 1-based): chr1:237,503,467, C>T. VCF-style: chr1-237503467-C-T. GRCh37 (hg19) VCF-style: chr1-237666767-C-T.
Other names: short protein forms Q859*.
Identifiers: ClinVar variation 4758350 (VCV004758350.1).

ClinVar aggregate classification (germline): Uncertain significance (1 of 4 stars; one submission).

Conditions:
Cardiomyopathy (CMYO). Also called: Cardiomyopathies. Identifiers: Orphanet 167848, MedGen C0878544, MONDO:0004994, HP:0001638. Inheritance: Various modes of inheritance.

gnomAD v4.1: 2 of 1,613,900 alleles (0.00012%); highest among the groups gnomAD compares: Non-Finnish European, 0.00017%; no homozygotes.

Submission:

Color Diagnostics, LLC DBA Color Health
Classification: Uncertain significance for Cardiomyopathy. Last evaluated: 2025-09-15. Review status: criteria provided, single submitter. Criteria: ACMG Guidelines, 2015. Collection method: clinical testing. Allele origin: germline.
Comment: This variant changes 1 nucleotide in exon 22 of the RYR2 gene, creating a premature translation stop signal. This variant is expected to result in an absent or non-functional protein product. To our knowledge, this variant has not been reported in individuals affected with RYR2-related disorders in the literature. This variant has not been identified in the general population by the Genome Aggregation Database (gnomAD). The role of loss-of-function RYR2 truncation variants in cardiovascular disorders is not clearly understood. The available evidence is insufficient to determine the role of this variant in disease conclusively. Therefore, this variant is classified as a Variant of Uncertain Significance.